The following is an entry in ClinVar:

ClinVar aggregate classification (germline): Uncertain significance (1 of 4 stars; one submission).

Submission:

GeneDx
Classification: Uncertain significance. Last evaluated: 2022-02-21. Review status: criteria provided, single submitter. Criteria: GeneDx Variant Classification Process June 2021. Collection method: clinical testing. Allele origin: germline. Affected: yes.
Comment: Not observed at significant frequency in large population cohorts (gnomAD); Frameshift variant predicted to result in protein truncation or nonsense mediated decay in a gene for which loss-of-function is not a known mechanism of disease; Has not been previously published as pathogenic or benign to our knowledge

NM_001128840.3(CACNA1D):c.5544_5545dup (p.Glu1849fs)

Gene: CACNA1D (calcium voltage-gated channel subunit alpha1 D; plus strand). Cytogenetic location: 3p21.1.
Variant type: Duplication.
Coding change: c.5544_5545dup on transcript NM_001128840.3 (MANE Select); coding-DNA positions 5544 to 5545, 2 bases duplicated (TG; older notation c.5544_5545dupTG).
Protein change: p.Glu1849fs; shifts the reading frame from glutamic acid 1849.
Molecular consequence: frameshift variant.
Genome position (GRCh38, 1-based): chr3:53,803,531-53,803,532, TG duplicated; duplicating any 2 consecutive bases within chr3:53,803,530-53,803,532 gives the same sequence; the c. name uses the placement nearest the transcript's 3' end. VCF-style (leftmost placement, unchanged base first): chr3-53803529-A-AGT. GRCh37 (hg19) VCF-style: chr3-53837556-A-AGT.
Other names: c.5604_5605dup, p.Glu1869fs (NM_000720.4); c.5472_5473dup, p.Glu1825fs (NM_001128839.3); short protein forms E1825fs, E1849fs, E1869fs.
Identifiers: ClinVar variation 1702777 (VCV001702777.2), dbSNP rs2106808887, ClinGen allele CA2580070283.